The following is an entry in ClinVar:

NM_001040436.3(YARS2):c.374G>C (p.Arg125Pro)

Gene: YARS2 (tyrosyl-tRNA synthetase 2; minus strand). Cytogenetic location: 12p11.21.
Variant type: single nucleotide variant.
Coding change: c.374G>C on transcript NM_001040436.3 (MANE Select); coding-DNA position 374, G replaced by C.
Protein change: p.Arg125Pro; replaces arginine 125 with proline.
Molecular consequence: missense variant.
Genome position (GRCh38, 1-based): chr12:32,755,501, C>G on the plus strand (G>C on the coding strand, the complement: YARS2 is on the minus strand). VCF-style: chr12-32755501-C-G. GRCh37 (hg19) VCF-style: chr12-32908435-C-G.
Other names: short protein forms R125P.
Identifiers: ClinVar variation 215424 (VCV000215424.2), dbSNP rs863224272, ClinGen allele CA321124.

ClinVar aggregate classification (germline): Likely pathogenic (1 of 4 stars; one submission).

Submission:

GeneDx
Classification: Likely pathogenic. Last evaluated: 2014-01-29. Review status: criteria provided, single submitter. Criteria: GeneDx Variant Classification (06012015). Collection method: clinical testing. Allele origin: germline. Affected: yes.
Comment: p.Arg125Pro (CGT>CCT): c.374 G>C in exon 1 of the YARS2 gene (NM_001040436.2) The R125P variant has not been published as a mutation, nor has it been reported as a benign polymorphism to our knowledge. The R125P variant is a non-conservative amino acid substitution, as these residues differ in polarity, charge, size and/or other properties and is more likely to impact secondary structure. This substitution occurs at a highly conserved position in the YARS2 protein, and multiple in-silico analysis programs predict that R125P is damaging to the YARS2 protein. Therefore, R125P is a strong candidate for a disease-causing mutation, however the possibility that it is a benign variant cannot be excluded. The variant is found in MITONUC-MITOP panel(s).